The following is an entry in ClinVar:

NM_000529.2(MC2R):c.*2138G>T

Gene: MC2R (melanocortin 2 receptor; minus strand). Cytogenetic location: 18p11.21.
Variant type: single nucleotide variant.
Coding change: c.*2138G>T on transcript NM_000529.2 (MANE Select); 2138 bases downstream of the stop codon, G replaced by T.
Molecular consequence: 3 prime UTR variant.
Genome position (GRCh38, 1-based): chr18:13,882,487, C>A on the plus strand (G>T on the coding strand, the complement: MC2R is on the minus strand). VCF-style: chr18-13882487-C-A. GRCh37 (hg19) VCF-style: chr18-13882486-C-A.
Other names: NC_000018.9:g.13882486C>A; c.*2138G>T (NM_001291911.1).
Identifiers: ClinVar variation 326128 (VCV000326128.7), dbSNP rs3744819, ClinGen allele CA10641081.

ClinVar aggregate classification (germline): Benign. Review status: criteria provided, multiple submitters, no conflicts (2 of 4 stars). 2 submissions from 2 submitters: Benign (2). Last evaluated 2018-01-13.

Conditions:
Glucocorticoid deficiency 1 (GCCD1). Also called: Adrenal unresponsiveness to acth; FAMILIAL GLUCOCORTICOID DEFICIENCY 1; Glucocorticoid deficiency, due to ACTH unresponsiveness. Identifiers: Orphanet 361, MedGen C4049650, MONDO:0024536, OMIM 202200.

Allele frequency attached by ClinVar (database versions not stated): gnomAD 0.10932; TOPMed 0.13112; 1000 Genomes Project 0.15136; 1000 Genomes Project 30x 0.15256.

Submissions (3):

Illumina Laboratory Services, Illumina
Classification: Benign for Glucocorticoid deficiency 1. Last evaluated: 2018-01-13. Review status: criteria provided, single submitter. Criteria: ICSL Variant Classification Criteria 13 December 2019. Collection method: clinical testing. Allele origin: germline.
Comment: This variant was observed in the ICSL laboratory as part of a predisposition screen in an ostensibly healthy population. It had not been previously curated by ICSL or reported in the Human Gene Mutation Database (HGMD: prior to June 1st, 2018), and was therefore a candidate for classification through an automated scoring system. Utilizing variant allele frequency, disease prevalence and penetrance estimates, and inheritance mode, an automated score was calculated to assess if this variant is too frequent to cause the disease. Based on the score and internal cut-off values, a variant classified as benign is not then subjected to further curation. The score for this variant resulted in a classification of benign for this disease.

Breakthrough Genomics
Classification: Benign. Review status: criteria provided, single submitter. Criteria: ACMG Guidelines, 2015. Collection method: not provided. Allele origin: germline. Inheritance: Autosomal recessive inheritance. Affected: yes.

Dr. Peter K. Rogan Lab, Western University
No classification provided (evidence only). Condition: Acute myeloid leukemia. Review status: no classification provided. Collection method: in vitro. Allele origin: not applicable. Functional consequence: retained intron. Not counted in ClinVar's aggregate classification.